The following is an entry in ClinVar:

ClinVar aggregate classification (germline): Uncertain significance. Review status: criteria provided, multiple submitters, no conflicts (2 of 4 stars). 2 submissions from 2 submitters: Uncertain significance (2). Last evaluated 2026-04-08.

Conditions:
RAI1-related disorder. Also called: RAI1-related condition.

Allele frequency attached by ClinVar (database versions not stated): gnomAD 0.00001; TOPMed 0.00002; gnomAD exomes 0.00003; ExAC 0.00006.
gnomAD v4.1: 37 of 1,612,702 alleles (0.0023%); highest among the groups gnomAD compares: Non-Finnish European, 0.0031%; no homozygotes.

Submissions (2):

PreventionGenetics, part of Exact Sciences
Classification: Uncertain significance for RAI1-related condition. Last evaluated: 2026-04-08. Review status: criteria provided, single submitter. Criteria: ACMG Guidelines, 2015. Collection method: clinical testing. Allele origin: germline.
Comment: The RAI1 c.796C>T variant is predicted to result in the amino acid substitution p.Leu266Phe. To our knowledge, this variant has not been reported in the literature. This variant is reported in 0.0064% of alleles in individuals of European (Non-Finnish) descent in gnomAD. Although we suspect that this variant may be benign, at this time, the clinical significance of this variant is uncertain due to the absence of conclusive functional and genetic evidence.

Labcorp Genetics (formerly Invitae), Labcorp
Classification: Uncertain significance. Last evaluated: 2025-11-17. Review status: criteria provided, single submitter. Criteria: Invitae Variant Classification Sherloc (09022015). Collection method: clinical testing. Allele origin: germline.
Comment: This sequence change replaces leucine, which is neutral and non-polar, with phenylalanine, which is neutral and non-polar, at codon 266 of the RAI1 protein (p.Leu266Phe). This variant is present in population databases (rs762778698, gnomAD 0.007%). This variant has not been reported in the literature in individuals affected with RAI1-related conditions. ClinVar contains an entry for this variant (Variation ID: 2859552). Invitae Evidence Modeling of protein sequence and biophysical properties (such as structural, functional, and spatial information, amino acid conservation, physicochemical variation, residue mobility, and thermodynamic stability) has been performed for this missense variant. However, the output from this modeling did not meet the statistical confidence thresholds required to predict the impact of this variant on RAI1 protein function. In summary, the available evidence is currently insufficient to determine the role of this variant in disease. Therefore, it has been classified as a Variant of Uncertain Significance.

NM_030665.4(RAI1):c.796C>T (p.Leu266Phe)

Gene: RAI1 (retinoic acid induced 1; plus strand). Cytogenetic location: 17p11.2.
Variant type: single nucleotide variant.
Coding change: c.796C>T on transcript NM_030665.4 (MANE Select); coding-DNA position 796, C replaced by T.
Protein change: p.Leu266Phe; replaces leucine 266 with phenylalanine.
Molecular consequence: missense variant.
Genome position (GRCh38, 1-based): chr17:17,793,744, C>T. VCF-style: chr17-17793744-C-T. GRCh37 (hg19) VCF-style: chr17-17697058-C-T.
Other names: c.796C>T (NM_030665.3); short protein forms L266F.
Identifiers: ClinVar variation 2859552 (VCV002859552.4), dbSNP rs762778698, ClinGen allele CA8418196.
Genomic context (GRCh38, chr17:17,793,744, plus strand): 5'-CCCCATGACAGGCCGCTGACTGCCAGCTCCAGCCTGGCCCCGGGGCAGCGGGTCCAGAAT[C>T]TTCATGCCTACCAGTCGGGCCGCCTCAGCTATGACCAGCAGCAGCAGCAGCAGCAGCAGC-3'
Protein context (NP_109590.3, residues 256-276): SLAPGQRVQN[Leu266Phe]HAYQSGRLSY